The following is an entry in ClinVar:

NM_006231.4(POLE):c.3G>A (p.Met1Ile)

Genes: POLE (DNA polymerase epsilon, catalytic subunit; minus strand), LOC130009266 (ATAC-STARR-seq lymphoblastoid silent region 5123; plus strand). Cytogenetic location: 12q24.33.
Variant type: single nucleotide variant.
Coding change: c.3G>A on transcript NM_006231.4 (MANE Select); coding-DNA position 3, G replaced by A.
Protein change: p.Met1Ile; changes the start codon (methionine 1).
Molecular consequence: missense variant, initiator codon variant.
Genome position (GRCh38, 1-based): chr12:132,687,313, C>T on the plus strand (G>A on the coding strand, the complement: POLE is on the minus strand). VCF-style: chr12-132687313-C-T. GRCh37 (hg19) VCF-style: chr12-133263899-C-T.
Other names: short protein forms M1I.
Identifiers: ClinVar variation 540655 (VCV000540655.12), dbSNP rs1555231433, ClinGen allele CA387373579.

ClinVar aggregate classification (germline): Conflicting classifications of pathogenicity. Review status: criteria provided, conflicting classifications (1 of 4 stars). 2 submissions from 2 submitters: Pathogenic (1); Uncertain significance (1). Last evaluated 2025-12-15.

Conditions:
Hereditary cancer-predisposing syndrome. Also called: Neoplastic Syndromes, Hereditary; Hereditary Cancer Syndrome; Hereditary neoplastic syndrome; Tumor predisposition. Identifiers: Orphanet 140162, MedGen C0027672, MeSH D009386, MONDO:0015356.

Submissions (2):

Labcorp Genetics (formerly Invitae), Labcorp
Classification: Pathogenic. Last evaluated: 2025-12-15. Review status: criteria provided, single submitter. Criteria: Invitae Variant Classification Sherloc (09022015). Collection method: clinical testing. Allele origin: germline.
Comment: This sequence change affects the initiator codon of the POLE mRNA. This change may impact translation initiation or efficiency. The next in-frame methionine is located at codon 44. This variant is not present in population databases (gnomAD no frequency). Disruption of the initiator codon has been observed in individual(s) with clinical features of autosomal recessive FILS syndrome (PMID: 30503519). In at least one individual the data is consistent with being in trans (on the opposite chromosome) from a pathogenic variant. It has also been observed to segregate with disease in related individuals. ClinVar contains an entry for this variant (Variation ID: 540655). For these reasons, this variant has been classified as Pathogenic.

Ambry Genetics
Classification: Uncertain significance for Hereditary cancer-predisposing syndrome. Last evaluated: 2025-11-25. Review status: criteria provided, single submitter. Criteria: Ambry Variant Classification Scheme 2023. Collection method: clinical testing. Allele origin: germline.
Comment: The p.M1? variant (also known as c.3G>A), located in coding exon 1 of the POLE gene, results from a G to A substitution at nucleotide position 3. This alters the methionine residue at the initiation codon (ATG). Another variant at this codon (c.1A>T) has been identified in conjunction with a second POLE variant (c.1686+32C>G) in individuals with features consistent with POLE deficiency; in at least one instance, the variants were identified in trans (Logan CV et al. Am J Hum Genet, 2018 Dec;103:1038-1044). In addition to the clinical data presented in the literature, sequence variations that modify the initiation codon are expected to result in either loss of translation initiation, N-terminal truncation, or cause a shift in the mRNA reading frame. Although biallelic loss of function of POLE has been associated with autosomal recessive POLE deficiency, haploinsufficiency of POLE has not been established as a mechanism of disease for POLE-related polymerase proofreading-associated polyposis (PPAP) and POLE-related CMMRD-like syndrome. Based on the supporting evidence, this variant is expected to be causative of POLE deficiency when present along with a second pathogenic variant on the other allele; however, its clinical significance for PPAP and POLE-related CMMRD-like syndrome is unclear.

Literature cited by the submitters: PubMed 30503519 (cited by Labcorp Genetics (formerly Invitae), Labcorp).